The following is an entry in ClinVar:

NM_000094.4(COL7A1):c.4392G>A (p.Pro1464=)

Gene: COL7A1 (collagen type VII alpha 1 chain; minus strand). Cytogenetic location: 3p21.31.
Variant type: single nucleotide variant.
Coding change: c.4392G>A on transcript NM_000094.4 (MANE Select); coding-DNA position 4392, G replaced by A.
Protein change: p.Pro1464=; no amino-acid change (proline 1464 retained).
Molecular consequence: synonymous variant.
Genome position (GRCh38, 1-based): chr3:48,583,565, C>T on the plus strand (G>A on the coding strand, the complement: COL7A1 is on the minus strand). VCF-style: chr3-48583565-C-T. GRCh37 (hg19) VCF-style: chr3-48620998-C-T.
Identifiers: ClinVar variation 2201633 (VCV002201633.1), dbSNP rs373742757, ClinGen allele CA2380072.

ClinVar aggregate classification (germline): Uncertain significance (1 of 4 stars; one submission).

Allele frequency attached by ClinVar (database versions not stated): ExAC 0.00004; gnomAD 0.00006; ESP Exome Variant Server 0.00008.
gnomAD v4.1: 55 of 1,613,918 alleles (0.0034%); highest among the groups gnomAD compares: South Asian, 0.012%; 1 homozygote.

Submission:

Labcorp Genetics (formerly Invitae), Labcorp
Classification: Uncertain significance. Last evaluated: 2022-02-08. Review status: criteria provided, single submitter. Criteria: Invitae Variant Classification Sherloc (09022015). Collection method: clinical testing. Allele origin: germline.
Comment: This sequence change affects codon 1464 of the COL7A1 mRNA. It is a 'silent' change, meaning that it does not change the encoded amino acid sequence of the COL7A1 protein. This variant is present in population databases (rs373742757, gnomAD 0.01%). This variant has not been reported in the literature in individuals affected with COL7A1-related conditions. Algorithms developed to predict the effect of sequence changes on RNA splicing suggest that this variant may create or strengthen a splice site. In summary, the available evidence is currently insufficient to determine the role of this variant in disease. Therefore, it has been classified as a Variant of Uncertain Significance.